The following is an entry in ClinVar:

NM_001083961.2(WDR62):c.962A>G (p.Gln321Arg)

Gene: WDR62 (WD repeat domain 62; plus strand). Cytogenetic location: 19q13.12.
Variant type: single nucleotide variant.
Coding change: c.962A>G on transcript NM_001083961.2 (MANE Select); coding-DNA position 962, A replaced by G.
Protein change: p.Gln321Arg; replaces glutamine 321 with arginine.
Molecular consequence: missense variant.
Genome position (GRCh38, 1-based): chr19:36,071,635, A>G. VCF-style: chr19-36071635-A-G. GRCh37 (hg19) VCF-style: chr19-36562537-A-G.
Other names: c.962A>G, p.Gln321Arg (NM_001411145.1, NM_001411146.1, NM_173636.5); short protein forms Q321R.
Identifiers: ClinVar variation 2048553 (VCV002048553.4), dbSNP rs2513484914, ClinGen allele CA405431878.
Genomic context (GRCh38, chr19:36,071,635, plus strand): 5'-TCTGTGTCAGCCAGGAGCTCATCTTCTGTGGCTGCACAGATGGGATAGTCCGCATCTTCC[A>G]GGCCCATAGCCTGCACTACCTCGCCAACCTGCCCAAGCCACACTACCTTGGGGTAGACGT-3'
Protein context (NP_001077430.1, residues 311-331): GCTDGIVRIF[Gln321Arg]AHSLHYLANL

ClinVar aggregate classification (germline): Uncertain significance (1 of 4 stars; one submission).

Allele frequency attached by ClinVar (database versions not stated): gnomAD exomes below 0.00001.
gnomAD v4.1: 1 of 1,614,216 alleles (0.000062%); highest among the groups gnomAD compares: Non-Finnish European, 0.000085%; no homozygotes.

Submission:

Labcorp Genetics (formerly Invitae), Labcorp
Classification: Uncertain significance. Last evaluated: 2022-08-23. Review status: criteria provided, single submitter. Criteria: Invitae Variant Classification Sherloc (09022015). Collection method: clinical testing. Allele origin: germline.
Comment: This variant is not present in population databases (gnomAD no frequency). In summary, the available evidence is currently insufficient to determine the role of this variant in disease. Therefore, it has been classified as a Variant of Uncertain Significance. Algorithms developed to predict the effect of missense changes on protein structure and function (SIFT, PolyPhen-2, Align-GVGD) all suggest that this variant is likely to be tolerated. This variant has not been reported in the literature in individuals affected with WDR62-related conditions. This sequence change replaces glutamine, which is neutral and polar, with arginine, which is basic and polar, at codon 321 of the WDR62 protein (p.Gln321Arg).